The following is an entry in ClinVar:

ClinVar aggregate classification (germline): Likely pathogenic (1 of 4 stars; one submission).

Conditions:
Combined malonic and methylmalonic acidemia. Identifiers: Orphanet 289504, MedGen C3280314, MONDO:0013661, OMIM 614265.

gnomAD v4.1: 1 of 1,613,662 alleles (0.000062%); highest among the groups gnomAD compares: Non-Finnish European, 0.000085%; no homozygotes.

Submission:

Labcorp Genetics (formerly Invitae), Labcorp
Classification: Likely pathogenic for Combined malonic and methylmalonic acidemia. Last evaluated: 2023-05-26. Review status: criteria provided, single submitter. Criteria: Invitae Variant Classification Sherloc (09022015). Collection method: clinical testing. Allele origin: germline.
Comment: ClinVar contains an entry for this variant (Variation ID: 2087519). In summary, the currently available evidence indicates that the variant is pathogenic, but additional data are needed to prove that conclusively. Therefore, this variant has been classified as Likely Pathogenic. Algorithms developed to predict the effect of sequence changes on RNA splicing suggest that this variant may disrupt the consensus splice site. This variant has not been reported in the literature in individuals affected with ACSF3-related conditions. This variant is not present in population databases (gnomAD no frequency). This sequence change affects an acceptor splice site in intron 3 of the ACSF3 gene. It is expected to disrupt RNA splicing. Variants that disrupt the donor or acceptor splice site typically lead to a loss of protein function (PMID: 16199547), and loss-of-function variants in ACSF3 are known to be pathogenic (PMID: 21841779, 26827111).

Literature cited by the submitters: PubMed 16199547; PubMed 21841779; PubMed 26827111.

NM_001243279.3(ACSF3):c.667-1G>T

Gene: ACSF3 (acyl-CoA synthetase family member 3; plus strand). Cytogenetic location: 16q24.3.
Variant type: single nucleotide variant.
Coding change: c.667-1G>T on transcript NM_001243279.3 (MANE Select); the canonical splice acceptor site of the intron before coding-DNA position 667, G replaced by T.
Molecular consequence: splice acceptor variant.
Genome position (GRCh38, 1-based): chr16:89,102,603, G>T. VCF-style: chr16-89102603-G-T. GRCh37 (hg19) VCF-style: chr16-89169011-G-T.
Other names: c.667-1G>T (NM_001127214.4, NM_174917.5); c.-129-1G>T (NM_001284316.2).
Identifiers: ClinVar variation 2087519 (VCV002087519.4), dbSNP rs778778276, ClinGen allele CA397137681.